The following is an entry in ClinVar:

ClinVar aggregate classification (germline): Uncertain significance (1 of 4 stars; one submission).

Allele frequency attached by ClinVar (database versions not stated): gnomAD exomes below 0.00001.
gnomAD v4.1: 1 of 1,613,828 alleles (0.000062%); highest among the groups gnomAD compares: Non-Finnish European, 0.000085%; no homozygotes.

Submission:

Labcorp Genetics (formerly Invitae), Labcorp
Classification: Uncertain significance. Last evaluated: 2021-10-31. Review status: criteria provided, single submitter. Criteria: Invitae Variant Classification Sherloc (09022015). Collection method: clinical testing. Allele origin: germline.
Comment: In summary, the available evidence is currently insufficient to determine the role of this variant in disease. Therefore, it has been classified as a Variant of Uncertain Significance. Advanced modeling of protein sequence and biophysical properties (such as structural, functional, and spatial information, amino acid conservation, physicochemical variation, residue mobility, and thermodynamic stability) performed at Invitae indicates that this missense variant is not expected to disrupt COL11A1 protein function. This variant has not been reported in the literature in individuals affected with COL11A1-related conditions. This variant is not present in population databases (gnomAD no frequency). This sequence change replaces proline, which is neutral and non-polar, with histidine, which is basic and polar, at codon 1748 of the COL11A1 protein (p.Pro1748His).

NM_001854.4(COL11A1):c.5243C>A (p.Pro1748His)

Genes: COL11A1 (collagen type XI alpha 1 chain; minus strand), LOC126805814 (P300/CBP strongly-dependent group 1 enhancer GRCh37_chr1:103344928-103346127; plus strand). Cytogenetic location: 1p21.1.
Variant type: single nucleotide variant.
Coding change: c.5243C>A on transcript NM_001854.4 (MANE Select); coding-DNA position 5243, C replaced by A.
Protein change: p.Pro1748His; replaces proline 1748 with histidine.
Molecular consequence: missense variant. On other transcripts: non-coding transcript variant (1).
Genome position (GRCh38, 1-based): chr1:102,879,714, G>T on the plus strand (C>A on the coding strand, the complement: COL11A1 is on the minus strand). VCF-style: chr1-102879714-G-T. GRCh37 (hg19) VCF-style: chr1-103345270-G-T.
Other names: c.5126C>A, p.Pro1709His (NM_001190709.2); c.5279C>A, p.Pro1760His (NM_080629.3); c.4895C>A, p.Pro1632His (NM_080630.4); short protein forms P1748H, P1760H, P1632H, P1709H.
Identifiers: ClinVar variation 1390406 (VCV001390406.6), dbSNP rs2101006692, ClinGen allele CA341210788.